The following is an entry in ClinVar:

ClinVar aggregate classification (germline): Benign. Review status: criteria provided, multiple submitters, no conflicts (2 of 4 stars). 3 submissions from 3 submitters: Benign (2). 1 of the submissions does not count toward it. Last evaluated 2026-02-01.

Conditions:
FCSK-related disorder. Also called: FCSK-related condition.

Allele frequency attached by ClinVar (database versions not stated): gnomAD exomes 0.00062 and 0.00167; ExAC 0.00253; ESP Exome Variant Server 0.00695; gnomAD 0.00695 and 0.00718; TOPMed 0.00769; 1000 Genomes Project 0.00958; 1000 Genomes Project 30x 0.01077.
gnomAD v4.1: 2,017 of 1,603,168 alleles (0.13%); highest among the groups gnomAD compares: African/African-American, 2.4%; 31 homozygotes.

Submissions (3):

Labcorp Genetics (formerly Invitae), Labcorp
Classification: Benign. Last evaluated: 2026-02-01. Review status: criteria provided, single submitter. Criteria: Invitae Variant Classification Sherloc (09022015). Collection method: clinical testing. Allele origin: germline.

Breakthrough Genomics
Classification: Benign. Review status: criteria provided, single submitter. Criteria: ACMG Guidelines, 2015. Collection method: not provided. Allele origin: germline. Inheritance: Autosomal recessive inheritance. Affected: yes.

PreventionGenetics, part of Exact Sciences
Classification: Benign for FCSK-related condition. Last evaluated: 2019-05-20. Review status: no assertion criteria provided. Collection method: clinical testing. Allele origin: germline. Not counted in ClinVar's aggregate classification.
Comment: This variant is classified as benign based on ACMG/AMP sequence variant interpretation guidelines (Richards et al. 2015 PMID: 25741868, with internal and published modifications).

NM_145059.3(FCSK):c.2581G>A (p.Val861Met)

Gene: FCSK (fucose kinase; plus strand). Cytogenetic location: 16q22.1.
Variant type: single nucleotide variant.
Coding change: c.2581G>A on transcript NM_145059.3 (MANE Select); coding-DNA position 2581, G replaced by A.
Protein change: p.Val861Met; replaces valine 861 with methionine.
Molecular consequence: missense variant.
Genome position (GRCh38, 1-based): chr16:70,475,707, G>A. VCF-style: chr16-70475707-G-A. GRCh37 (hg19) VCF-style: chr16-70509610-G-A.
Other names: short protein forms V861M.
Identifiers: ClinVar variation 783742 (VCV000783742.12), dbSNP rs17878599, ClinGen allele CA8143648.
Genomic context (GRCh38, chr16:70,475,707, plus strand): 5'-GGCACCAGCAGCATCCTGGCAGGCACTGCCCTGGCTGCCTTGCAGCGAGCCGCAGGCCGG[G>A]TGGTGGGCACGGAAGCCCTGATCCACGCAGTGCTGCACCTGGAGCAGGTGCTCACCACTG-3'
Protein context (NP_659496.2, residues 851-871): LAALQRAAGR[Val861Met]VGTEALIHAV